The following is an entry in ClinVar:

NM_002528.7(NTHL1):c.192C>G (p.Asp64Glu)

Gene: NTHL1 (nth like DNA glycosylase 1; minus strand). Cytogenetic location: 16p13.3.
Variant type: single nucleotide variant.
Coding change: c.192C>G on transcript NM_002528.7 (MANE Select); coding-DNA position 192, C replaced by G.
Protein change: p.Asp64Glu; replaces aspartic acid 64 with glutamic acid.
Molecular consequence: missense variant.
Genome position (GRCh38, 1-based): chr16:2,046,290, G>C on the plus strand (C>G on the coding strand, the complement: NTHL1 is on the minus strand). VCF-style: chr16-2046290-G-C. GRCh37 (hg19) VCF-style: chr16-2096291-G-C.
Other names: c.192C>G, p.Asp64Glu (NM_001318193.2); c.14C>G, p.Thr5Arg (NM_001318194.2); c.216C>G (NM_002528.5); short protein forms T5R, D64E.
Identifiers: ClinVar variation 969949 (VCV000969949.3), dbSNP rs2084379378, ClinGen allele CA394297680.

ClinVar aggregate classification (germline): Uncertain significance. Review status: criteria provided, multiple submitters, no conflicts (2 of 4 stars). 2 submissions from 2 submitters: Uncertain significance (2). Last evaluated 2023-08-26.

Conditions:
Hereditary cancer-predisposing syndrome. Also called: Neoplastic Syndromes, Hereditary; Hereditary Cancer Syndrome; Tumor predisposition; Hereditary neoplastic syndrome. Identifiers: Orphanet 140162, MedGen C0027672, MeSH D009386, MONDO:0015356.

Submissions (2):

Ambry Genetics
Classification: Uncertain significance for Hereditary cancer-predisposing syndrome. Last evaluated: 2023-08-26. Review status: criteria provided, single submitter. Criteria: Ambry Variant Classification Scheme 2023. Collection method: clinical testing. Allele origin: germline.
Comment: The p.D72E variant (also known as c.216C>G), located in coding exon 2 of the NTHL1 gene, results from a C to G substitution at nucleotide position 216. The aspartic acid at codon 72 is replaced by glutamic acid, an amino acid with highly similar properties. This amino acid position is conserved. In addition, this alteration is predicted to be tolerated by in silico analysis. Since supporting evidence is limited at this time, the clinical significance of this alteration remains unclear.

Labcorp Genetics (formerly Invitae), Labcorp
Classification: Uncertain significance. Last evaluated: 2019-10-28. Review status: criteria provided, single submitter. Criteria: Invitae Variant Classification Sherloc (09022015). Collection method: clinical testing. Allele origin: germline.
Comment: This sequence change replaces aspartic acid with glutamic acid at codon 72 of the NTHL1 protein (p.Asp72Glu). The aspartic acid residue is weakly conserved and there is a small physicochemical difference between aspartic acid and glutamic acid. This variant is not present in population databases (ExAC no frequency). This variant has not been reported in the literature in individuals with NTHL1-related conditions. Algorithms developed to predict the effect of missense changes on protein structure and function output the following: SIFT: "Not Available"; PolyPhen-2: "Benign"; Align-GVGD: "Not Available". The glutamic acid amino acid residue is found in multiple mammalian species, suggesting that this missense change does not adversely affect protein function. These predictions have not been confirmed by published functional studies and their clinical significance is uncertain. In summary, the available evidence is currently insufficient to determine the role of this variant in disease. Therefore, it has been classified as a Variant of Uncertain Significance.